The following is an entry in ClinVar:

NM_006204.4(PDE6C):c.1670G>A (p.Arg557Gln)

Gene: PDE6C (phosphodiesterase 6C; plus strand). Cytogenetic location: 10q23.33.
Variant type: single nucleotide variant.
Coding change: c.1670G>A on transcript NM_006204.4 (MANE Select); coding-DNA position 1670, G replaced by A.
Protein change: p.Arg557Gln; replaces arginine 557 with glutamine.
Molecular consequence: missense variant.
Genome position (GRCh38, 1-based): chr10:93,640,490, G>A. VCF-style: chr10-93640490-G-A. GRCh37 (hg19) VCF-style: chr10-95400247-G-A.
Other names: c.1670G>A (NM_006204.3); short protein forms R557Q.
Identifiers: ClinVar variation 2053050 (VCV002053050.6), dbSNP rs201309785, ClinGen allele CA5610262.
Genomic context (GRCh38, chr10:93,640,490, plus strand): 5'-ATGGTGTCATCTTCTTTTAGGTTCTTACCAGATGGATGTACACTGTGAGGAAAGGGTACC[G>A]AGCTGTCACTTACCACAATTGGCGGCATGGGTTCAACGTGGGGCAGACCATGTTTACTTT-3'
Protein context (NP_006195.3, residues 547-567): RWMYTVRKGY[Arg557Gln]AVTYHNWRHG

ClinVar aggregate classification (germline): Conflicting classifications of pathogenicity. Review status: criteria provided, conflicting classifications (1 of 4 stars). 3 submissions from 3 submitters: Pathogenic (2); Uncertain significance (1). Last evaluated 2025-10-01.

Conditions:
PDE6C-related disorder. Also called: PDE6C-related condition.

Allele frequency attached by ClinVar (database versions not stated): TOPMed 0.00002; gnomAD exomes 0.00003; ExAC 0.00008; gnomAD 0.00008.
gnomAD v4.1: 61 of 1,613,638 alleles (0.0038%); highest among the groups gnomAD compares: African/African-American, 0.004%; no homozygotes.

Submissions (3):

Labcorp Genetics (formerly Invitae), Labcorp
Classification: Pathogenic. Last evaluated: 2025-10-01. Review status: criteria provided, single submitter. Criteria: Invitae Variant Classification Sherloc (09022015). Collection method: clinical testing. Allele origin: germline.
Comment: This sequence change replaces arginine, which is basic and polar, with glutamine, which is neutral and polar, at codon 557 of the PDE6C protein (p.Arg557Gln). This variant is present in population databases (rs201309785, gnomAD 0.07%). This missense change has been observed in individuals with achromatopsia (PMID: 34720973). It has also been observed to segregate with disease in related individuals. ClinVar contains an entry for this variant (Variation ID: 2053050). Invitae Evidence Modeling of protein sequence and biophysical properties (such as structural, functional, and spatial information, amino acid conservation, physicochemical variation, residue mobility, and thermodynamic stability) indicates that this missense variant is expected to disrupt PDE6C protein function with a positive predictive value of 95%. For these reasons, this variant has been classified as Pathogenic.

Blueprint Genetics
Classification: Pathogenic for PDE6C-related disorders. Last evaluated: 2024-06-18. Review status: criteria provided, single submitter. Criteria: ACMG Guidelines, 2015. Collection method: clinical testing. Allele origin: germline. Affected: yes. Observed: 5 variant alleles.

GeneDx
Classification: Uncertain significance. Last evaluated: 2024-02-01. Review status: criteria provided, single submitter. Criteria: GeneDx Variant Classification Process June 2021. Collection method: clinical testing. Allele origin: germline. Affected: yes.
Comment: In silico analysis supports that this missense variant has a deleterious effect on protein structure/function; This variant is associated with the following publications: (PMID: 31520890, 34720973, 36835061)

Literature cited by the submitters: PubMed 34720973 (cited by Labcorp Genetics (formerly Invitae), Labcorp).